The following is an entry in ClinVar:

ClinVar aggregate classification (germline): Uncertain significance. Review status: criteria provided, multiple submitters, no conflicts (2 of 4 stars). 3 submissions from 3 submitters: Uncertain significance (2). 1 of the submissions does not count toward it. Last evaluated 2025-11-12.

Conditions:
Bardet-Biedl syndrome 5 (BBS5). Identifiers: Orphanet 110, MedGen C3892039, MONDO:0014434, OMIM 615983.
BBS5-related disorder. Also called: BBS5-related condition.
Bardet-Biedl syndrome (BBS). Identifiers: Orphanet 110, MedGen C0752166, MONDO:0015229.

Allele frequency attached by ClinVar (database versions not stated): gnomAD 0.00001; ExAC 0.00009; TOPMed 0.00010; gnomAD exomes 0.00013.
gnomAD v4.1: 66 of 1,613,748 alleles (0.0041%); highest among the groups gnomAD compares: Admixed American, 0.052%; no homozygotes.

Submissions (3):

Labcorp Genetics (formerly Invitae), Labcorp
Classification: Uncertain significance for Bardet-Biedl syndrome. Last evaluated: 2025-11-12. Review status: criteria provided, single submitter. Criteria: Invitae Variant Classification Sherloc (09022015). Collection method: clinical testing. Allele origin: germline.
Comment: This sequence change replaces glutamic acid, which is acidic and polar, with lysine, which is basic and polar, at codon 282 of the BBS5 protein (p.Glu282Lys). This variant is present in population databases (rs759233586, gnomAD 0.08%). This missense change has been observed in individual(s) with clinical features of Bardet-Biedl syndrome (internal data). In at least one individual the data is consistent with being in trans (on the opposite chromosome) from a pathogenic variant. ClinVar contains an entry for this variant (Variation ID: 964151). Invitae Evidence Modeling of protein sequence and biophysical properties (such as structural, functional, and spatial information, amino acid conservation, physicochemical variation, residue mobility, and thermodynamic stability) indicates that this missense variant is not expected to disrupt BBS5 protein function with a negative predictive value of 80%. In summary, the available evidence is currently insufficient to determine the role of this variant in disease. Therefore, it has been classified as a Variant of Uncertain Significance.

Fulgent Genetics
Classification: Uncertain significance for Bardet-Biedl syndrome 5. Last evaluated: 2024-06-11. Review status: criteria provided, single submitter. Criteria: ACMG Guidelines, 2015. Collection method: clinical testing. Allele origin: germline.

PreventionGenetics, part of Exact Sciences
Classification: Uncertain significance for BBS5-related condition. Last evaluated: 2024-06-17. Review status: no assertion criteria provided. Collection method: clinical testing. Allele origin: germline. Not counted in ClinVar's aggregate classification.
Comment: The BBS5 c.844G>A variant is predicted to result in the amino acid substitution p.Glu282Lys. This variant has been reported in the heterozygous state in unaffected controls (Supplementary Table S5, Yıldız Bölükbaşı et al. 2018. PubMed ID: 29127258). This variant is reported in 0.078% of alleles in individuals of Latino descent in gnomAD. Although we suspect that this variant may be benign, at this time, the clinical significance of this variant is uncertain due to the absence of conclusive functional and genetic evidence.

NM_152384.3(BBS5):c.844G>A (p.Glu282Lys)

Gene: BBS5 (Bardet-Biedl syndrome 5; plus strand). Cytogenetic location: 2q31.1.
Variant type: single nucleotide variant.
Coding change: c.844G>A on transcript NM_152384.3 (MANE Select); coding-DNA position 844, G replaced by A.
Protein change: p.Glu282Lys; replaces glutamic acid 282 with lysine.
Molecular consequence: missense variant.
Genome position (GRCh38, 1-based): chr2:169,503,122, G>A. VCF-style: chr2-169503122-G-A. GRCh37 (hg19) VCF-style: chr2-170359632-G-A.
Other names: short protein forms E282K.
Identifiers: ClinVar variation 964151 (VCV000964151.9), dbSNP rs759233586, ClinGen allele CA1956348.
Genomic context (GRCh38, chr2:169,503,122, plus strand): 5'-CTCTGATGCATTTTAACATCTGCTGATTTTCAGCCCCAGCCGCTCGAAGCTCTGACAGTC[G>A]AACAAATTCAAGATGATGTAGAAATAGACTCTGATGGTCACACGGATGCTTTTGTGGTGA-3'
Protein context (NP_689597.1, residues 272-292): KPQPLEALTV[Glu282Lys]QIQDDVEIDS